The following is an entry in ClinVar:

ClinVar aggregate classification (germline): Likely benign (1 of 4 stars; one submission).

gnomAD v4.1: 1,447 of 1,601,402 alleles (0.09%); highest among the groups gnomAD compares: South Asian, 0.26%; 1 homozygote.

Submission:

CeGaT Center for Human Genetics Tuebingen
Classification: Likely benign. Last evaluated: 2026-08-01. Review status: criteria provided, single submitter. Criteria: CeGaT Center For Human Genetics Tuebingen Variant Classification Criteria Version 2. Collection method: clinical testing. Allele origin: germline. Affected: yes. Observed: 3 variant alleles.
Comment: SORD: BP4

NM_003104.6(SORD):c.786+7G>A

Gene: SORD (sorbitol dehydrogenase; plus strand). Cytogenetic location: 15q21.1.
Variant type: single nucleotide variant.
Coding change: c.786+7G>A on transcript NM_003104.6 (MANE Select); 7 bases into the intron after coding-DNA position 786, G replaced by A.
Molecular consequence: intron variant.
Genome position (GRCh38, 1-based): chr15:45,069,059, G>A. VCF-style: chr15-45069059-G-A. GRCh37 (hg19) VCF-style: chr15-45361257-G-A.
Identifiers: ClinVar variation 4083739 (VCV004083739.8).